The following is an entry in ClinVar:

ClinVar aggregate classification (germline): Uncertain significance (1 of 4 stars; one submission).

Submission:

GeneDx
Classification: Uncertain significance. Last evaluated: 2024-04-24. Review status: criteria provided, single submitter. Criteria: GeneDx Variant Classification Process June 2021. Collection method: clinical testing. Allele origin: germline. Affected: yes.
Comment: Not observed at significant frequency in large population cohorts (gnomAD); In silico analysis supports that this missense variant has a deleterious effect on protein structure/function; Missense variant in a gene in which most reported pathogenic variants are truncating/loss of function; Has not been previously published as pathogenic or benign to our knowledge

NM_015443.4(KANSL1):c.1289T>A (p.Leu430Gln)

Gene: KANSL1 (KAT8 regulatory NSL complex subunit 1). Cytogenetic location: 17q21.31.
Variant type: single nucleotide variant.
Coding change: c.1289T>A on transcript NM_015443.4 (MANE Select); coding-DNA position 1289, T replaced by A.
Protein change: p.Leu430Gln; replaces leucine 430 with glutamine.
Molecular consequence: missense variant. On other transcripts: intron variant (4).
Genome position (GRCh38, 1-based): chr17:46,170,855, A>T on the plus strand (T>A on the coding strand, the complement: KANSL1 is on the minus strand). VCF-style: chr17-46170855-A-T. GRCh37 (hg19) VCF-style: chr17-44248221-A-T.
Other names: c.1289T>A, p.Leu430Gln (NM_001193465.2, NM_001193466.2, NM_001379198.1 and 18 more transcripts); c.23+52816T>A (NM_001405885.1, NM_001405884.1, NM_001405883.1 and 1 more transcripts); short protein forms L430Q.
Identifiers: ClinVar variation 3372903 (VCV003372903.1).
Genomic context (GRCh38, chr17:46,170,855, plus strand): 5'-ATTCATTCTTCCTTGTGCCAACATTTCTCAAGAATGCTATCATGCATGAGGTCTACTCAC[A>T]GGGGTACATGACGCTGCTCGGGATCAGCTCTGGTCAGTTCTTCCTCTTCAATATCAGACT-3'
Protein context (NP_056258.1, residues 420-440): RADPEQRHVP[Leu430Gln]RRRSEWKWAA